The following is an entry in ClinVar:

NM_001875.5(CPS1):c.4003-12A>G

Gene: CPS1 (carbamoyl-phosphate synthase 1; plus strand). Cytogenetic location: 2q34.
Variant type: single nucleotide variant.
Coding change: c.4003-12A>G on transcript NM_001875.5 (MANE Select); 12 bases into the intron before coding-DNA position 4003, A replaced by G.
Molecular consequence: intron variant.
Genome position (GRCh38, 1-based): chr2:210,668,174, A>G. VCF-style: chr2-210668174-A-G. GRCh37 (hg19) VCF-style: chr2-211532898-A-G.
Other names: c.4003-12A>G (LRG_336t1, NM_001369257.1, NM_001122633.3); c.4036-12A>G (NM_001369256.1).
Identifiers: ClinVar variation 512454 (VCV000512454.9), dbSNP rs534566099, ClinGen allele CA2087153.

ClinVar aggregate classification (germline): Likely benign. Review status: criteria provided, multiple submitters, no conflicts (2 of 4 stars). 2 submissions from 2 submitters: Likely benign (2). Last evaluated 2024-03-03.

Conditions:
Congenital hyperammonemia, type I. Also called: CPS I DEFICIENCY; Carbamoyl-phosphate synthase I deficiency; Carbamoyl phosphate synthetase 1 deficiency; Hyperammonemia due to carbamoyl phosphate synthetase 1 deficiency; CPS 1 deficiency; Carbamyl phosphate synthetase (CPS) deficiency. Identifiers: Orphanet 147, MedGen C4082171, MONDO:0009376, OMIM 237300.

Allele frequency attached by ClinVar (database versions not stated): gnomAD below 0.00001 and 0.00002; gnomAD exomes 0.00004 and 0.00012; ExAC 0.00010; 1000 Genomes Project 30x 0.00016; 1000 Genomes Project 0.00020.
gnomAD v4.1: 63 of 1,603,146 alleles (0.0039%); highest among the groups gnomAD compares: South Asian, 0.065%; no homozygotes.

Submissions (2):

Labcorp Genetics (formerly Invitae), Labcorp
Classification: Likely benign for Congenital hyperammonemia, type I. Last evaluated: 2024-03-03. Review status: criteria provided, single submitter. Criteria: Invitae Variant Classification Sherloc (09022015). Collection method: clinical testing. Allele origin: germline.

GeneDx
Classification: Likely benign. Last evaluated: 2017-10-16. Review status: criteria provided, single submitter. Criteria: GeneDx Variant Classification (06012015). Collection method: clinical testing. Allele origin: germline. Affected: yes.
Comment: This variant is considered likely benign or benign based on one or more of the following criteria: it is a conservative change, it occurs at a poorly conserved position in the protein, it is predicted to be benign by multiple in silico algorithms, and/or has population frequency not consistent with disease.